The following is an entry in ClinVar:

ClinVar aggregate classification (germline): Benign. Review status: criteria provided, multiple submitters, no conflicts (2 of 4 stars). 3 submissions from 3 submitters: Benign (3). Last evaluated 2024-07-15.

Conditions:
Intellectual developmental disorder 60 with seizures. Also called: MENTAL RETARDATION, AUTOSOMAL DOMINANT 60, WITH SEIZURES; INTELLECTUAL DEVELOPMENTAL DISORDER, AUTOSOMAL DOMINANT 60, WITH SEIZURES. Identifiers: MedGen C5231497, MONDO:0032823, OMIM 618587.

Allele frequency attached by ClinVar (database versions not stated): TOPMed 0.50178; gnomAD 0.50341 and 0.50718; gnomAD exomes 0.51488 and 0.51928; 1000 Genomes Project 30x 0.52748; 1000 Genomes Project 0.52875; ExAC 0.57259.
gnomAD v4.1: 658,403 of 1,272,120 alleles (52%); highest among the groups gnomAD compares: East Asian, 64%; 172,908 homozygotes.

Submissions (3):

Unidad de Genómica Garrahan, Hospital de Pediatría Garrahan
Classification: Benign. Last evaluated: 2024-07-15. Review status: criteria provided, single submitter. Criteria: ACMG Guidelines, 2015. Collection method: clinical testing. Allele origin: germline. Affected: no. Observed: 65 variant alleles.
Comment: This variant is classified as Benign based on local population frequency. This variant was detected in 70% of patients studied in a panel designed for Epileptic and Developmental Encephalopathy and Progressive Myoclonus Epilepsy. Number of patients: 65. Only high quality variants are reported.

Genome-Nilou Lab
Classification: Benign for Intellectual developmental disorder 60 with seizures. Last evaluated: 2021-07-14. Review status: criteria provided, single submitter. Criteria: ACMG Guidelines, 2015. Collection method: clinical testing. Allele origin: germline. Affected: no.

Breakthrough Genomics
Classification: Benign. Review status: criteria provided, single submitter. Criteria: ACMG Guidelines, 2015. Collection method: not provided. Allele origin: germline. Inheritance: Autosomal dominant inheritance. Affected: yes.

NM_004068.4(AP2M1):c.1173+73T>C

Gene: AP2M1 (adaptor related protein complex 2 subunit mu 1; plus strand). Cytogenetic location: 3q27.1.
Variant type: single nucleotide variant.
Coding change: c.1173+73T>C on transcript NM_004068.4 (MANE Select); 73 bases into the intron after coding-DNA position 1173, T replaced by C.
Molecular consequence: intron variant.
Genome position (GRCh38, 1-based): chr3:184,182,941, T>C. VCF-style: chr3-184182941-T-C. GRCh37 (hg19) VCF-style: chr3-183900729-T-C.
Other names: c.1248+73T>C (NM_001311198.2); c.1167+73T>C (NM_001025205.2).
Identifiers: ClinVar variation 1192405 (VCV001192405.5), dbSNP rs843365, ClinGen allele CA2727897.
Genomic context (GRCh38, chr3:184,182,941, plus strand): 5'-AGGGGCCTAGAGTCATGCCAGGGTATGCTGGAAGACCTCTTAGAGATCATTCCGATAAAC[T>C]GCTGCACCTTAGAGGTGAGGAAACTGAGGCCTAGAAAGAAGAACTGGCTTTAATTCATAG-3'